The following is an entry in ClinVar:

ClinVar aggregate classification (germline): Benign/Likely benign. Review status: criteria provided, multiple submitters, no conflicts (2 of 4 stars). 2 submissions from 2 submitters: Benign (1); Likely benign (1). Last evaluated 2025-04-17.

Conditions:
Arrhythmogenic right ventricular dysplasia 8 (ARVD8). Also called: Arrhythmogenic Right Ventricular Dysplasia/Cardiomyopathy 8; ARRHYTHMOGENIC RIGHT VENTRICULAR DYSPLASIA, FAMILIAL, 8; ARRHYTHMOGENIC RIGHT VENTRICULAR CARDIOMYOPATHY 8. Identifiers: MedGen C1843896, MONDO:0011831, OMIM 607450.
Arrhythmogenic cardiomyopathy with wooly hair and keratoderma. Also called: Carvajal syndrome; Dilated cardiomyopathy with woolly hair and keratoderma; Arrhythmogenic cardiomyopathy with woolly hair and keratoderma; PALMOPLANTAR KERATODERMA WITH LEFT VENTRICULAR CARDIOMYOPATHY AND WOOLLY HAIR. Identifiers: Orphanet 65282, MedGen C1854063, MONDO:0011581, OMIM 605676.

Allele frequency attached by ClinVar (database versions not stated): gnomAD exomes below 0.00001 and 0.00001; TOPMed 0.00001; ExAC 0.00002; gnomAD 0.00002; ESP Exome Variant Server 0.00008.
gnomAD v4.1: 4 of 1,613,938 alleles (0.00025%); highest among the groups gnomAD compares: African/African-American, 0.0053%; no homozygotes.

Submissions (2):

Labcorp Genetics (formerly Invitae), Labcorp
Classification: Benign for Arrhythmogenic cardiomyopathy with wooly hair and keratoderma; Arrhythmogenic right ventricular dysplasia 8. Last evaluated: 2025-04-17. Review status: criteria provided, single submitter. Criteria: Invitae Variant Classification Sherloc (09022015). Collection method: clinical testing. Allele origin: germline.

GeneDx
Classification: Likely benign. Last evaluated: 2017-05-17. Review status: criteria provided, single submitter. Criteria: GeneDx Variant Classification (06012015). Collection method: clinical testing. Allele origin: germline. Affected: yes.
Comment: This variant is considered likely benign or benign based on one or more of the following criteria: it is a conservative change, it occurs at a poorly conserved position in the protein, it is predicted to be benign by multiple in silico algorithms, and/or has population frequency not consistent with disease.

NM_004415.4(DSP):c.4911G>A (p.Arg1637=)

Gene: DSP (desmoplakin; plus strand). Cytogenetic location: 6p24.3.
Variant type: single nucleotide variant.
Coding change: c.4911G>A on transcript NM_004415.4 (MANE Select); coding-DNA position 4911, G replaced by A.
Protein change: p.Arg1637=; no amino-acid change (arginine 1637 retained).
Molecular consequence: synonymous variant. On other transcripts: intron variant (2).
Genome position (GRCh38, 1-based): chr6:7,581,101, G>A. VCF-style: chr6-7581101-G-A. GRCh37 (hg19) VCF-style: chr6-7581334-G-A.
Other names: c.4911G>A (LRG_423t1); c.4050+861G>A (NM_001319034.2); c.3582+1329G>A (NM_001008844.3).
Identifiers: ClinVar variation 509636 (VCV000509636.2), dbSNP rs140620146, ClinGen allele CA043350.